The following is an entry in ClinVar:

ClinVar aggregate classification (germline): Benign. Review status: criteria provided, multiple submitters, no conflicts (2 of 4 stars). 2 submissions from 2 submitters: Benign (2). Last evaluated 2018-11-12.

Allele frequency attached by ClinVar (database versions not stated): 1000 Genomes Project 0.20108; 1000 Genomes Project 30x 0.20378; TOPMed 0.25836; gnomAD 0.28125 and 0.28590; gnomAD exomes 0.29476 and 0.30235; ExAC 0.34785.
gnomAD v4.1: 450,302 of 1,500,264 alleles (30%); highest among the groups gnomAD compares: Middle Eastern, 33%; 70,818 homozygotes.

Submissions (2):

GeneDx
Classification: Benign. Last evaluated: 2018-11-12. Review status: criteria provided, single submitter. Criteria: GeneDx Variant Classification Process June 2021. Collection method: clinical testing. Allele origin: germline. Affected: yes.
Comment: This variant is associated with the following publications: (PMID: 15331559)

Breakthrough Genomics
Classification: Benign. Review status: criteria provided, single submitter. Criteria: ACMG Guidelines, 2015. Collection method: not provided. Allele origin: germline. Inheritance: Autosomal recessive inheritance. Affected: yes.

NM_000581.4(GPX1):c.-46C>T

Gene: GPX1 (glutathione peroxidase 1; minus strand). Cytogenetic location: 3p21.31.
Variant type: single nucleotide variant.
Coding change: c.-46C>T on transcript NM_000581.4 (MANE Select); 46 bases upstream of the start codon, C replaced by T.
Molecular consequence: 5 prime UTR variant.
Genome position (GRCh38, 1-based): chr3:49,358,324, G>A on the plus strand (C>T on the coding strand, the complement: GPX1 is on the minus strand). VCF-style: chr3-49358324-G-A. GRCh37 (hg19) VCF-style: chr3-49395757-G-A.
Other names: c.-46C>T (NM_001329455.2, NM_001329502.2, NM_001329503.2 and 1 more transcripts).
Identifiers: ClinVar variation 1252486 (VCV001252486.3), dbSNP rs1800668, ClinGen allele CA2397767.